The following is an entry in ClinVar:

ClinVar aggregate classification (germline): Uncertain significance. Review status: criteria provided, multiple submitters, no conflicts (2 of 4 stars). 2 submissions from 2 submitters: Uncertain significance (2). Last evaluated 2025-08-02.

Conditions:
Inborn genetic diseases. Identifiers: MedGen C0950123, MeSH D030342.

gnomAD v4.1: 2 of 1,614,008 alleles (0.00012%); highest among the groups gnomAD compares: African/African-American, 0.0027%; no homozygotes.

Submissions (2):

Ambry Genetics
Classification: Uncertain significance for Inborn genetic diseases. Last evaluated: 2025-08-02. Review status: criteria provided, single submitter. Criteria: Ambry Variant Classification Scheme 2023. Collection method: clinical testing. Allele origin: germline.

Labcorp Genetics (formerly Invitae), Labcorp
Classification: Uncertain significance. Last evaluated: 2025-06-11. Review status: criteria provided, single submitter. Criteria: Invitae Variant Classification Sherloc (09022015). Collection method: clinical testing. Allele origin: germline.
Comment: This sequence change replaces aspartic acid, which is acidic and polar, with histidine, which is basic and polar, at codon 341 of the SETBP1 protein (p.Asp341His). This variant is not present in population databases (gnomAD no frequency). This variant has not been reported in the literature in individuals affected with SETBP1-related conditions. Invitae Evidence Modeling of protein sequence and biophysical properties (such as structural, functional, and spatial information, amino acid conservation, physicochemical variation, residue mobility, and thermodynamic stability) has been performed for this missense variant. However, the output from this modeling did not meet the statistical confidence thresholds required to predict the impact of this variant on SETBP1 protein function. In summary, the available evidence is currently insufficient to determine the role of this variant in disease. Therefore, it has been classified as a Variant of Uncertain Significance.

NM_015559.3(SETBP1):c.1021G>C (p.Asp341His)

Gene: SETBP1 (SET binding protein 1; plus strand). Cytogenetic location: 18q12.3.
Variant type: single nucleotide variant.
Coding change: c.1021G>C on transcript NM_015559.3 (MANE Select); coding-DNA position 1021, G replaced by C.
Protein change: p.Asp341His; replaces aspartic acid 341 with histidine.
Molecular consequence: missense variant.
Genome position (GRCh38, 1-based): chr18:44,950,361, G>C. VCF-style: chr18-44950361-G-C. GRCh37 (hg19) VCF-style: chr18-42530326-G-C.
Other names: c.1021G>C, p.Asp341His (NM_001379141.1, NM_001379142.1, NM_001410862.1); short protein forms D341H.
Identifiers: ClinVar variation 4163086 (VCV004163086.2).
Genomic context (GRCh38, chr18:44,950,361, plus strand): 5'-GGTACAAAGGAGCCCCCAGAACCACCTACGGTGGGCAGCAAGAAAAAGTCCAGTAAAAAA[G>C]ATGTGATAAGTCAGACCATACCAAACCCAGACCTGGATTGGGTCAAGAATGCCCAGAAAG-3'
Protein context (NP_056374.2, residues 331-351): VGSKKKSSKK[Asp341His]VISQTIPNPD